The following is an entry in ClinVar:

ClinVar aggregate classification (germline): Likely pathogenic. Review status: reviewed by expert panel (3 of 4 stars). 7 submissions from 7 submitters: Likely pathogenic (1). 6 of the submissions do not count toward it. Last evaluated 2026-07-20.

Conditions:
CEP290-related ciliopathy. Also called: CEP290 ciliopathy. Identifiers: MedGen CN305601, MONDO:0100451.
Leber congenital amaurosis (LCA). Also called: Leber's amaurosis. Identifiers: Orphanet 65, MedGen C0339527, MeSH D057130, MONDO:0018998.
Nephronophthisis. Also called: Juvenile Nephronophthisis. Identifiers: Orphanet 655, MedGen C0687120, MONDO:0019005, HP:0000090.
Meckel-Gruber syndrome. Also called: DYSENCEPHALIA SPLANCHNOCYSTICA; GRUBER SYNDROME; Dysencephalia splachnocystica. Identifiers: Orphanet 564, MedGen C0265215, MONDO:0018921.
Joubert syndrome. Also called: JOUBERT-BOLTSHAUSER SYNDROME; Familial aplasia of the vermis. Identifiers: Orphanet 475, MedGen C5979921, MONDO:0018772.
Joubert syndrome 5 (JBTS5). Identifiers: Orphanet 2318, MedGen C1857780, MONDO:0012432, OMIM 610188.

Allele frequency attached by ClinVar (database versions not stated): gnomAD exomes below 0.00001.
gnomAD v4.1: 1 of 1,610,852 alleles (0.000062%); highest among the groups gnomAD compares: Non-Finnish European, 0.000085%; no homozygotes.

Submissions (7):

ClinGen Leber Congenital Amaurosis/early Onset Retinal Dystrophy Variant Curation Expert Panel, ClinGen
Classification: Likely pathogenic for CEP290-related ciliopathy. Last evaluated: 2026-07-20. Review status: reviewed by expert panel. Criteria: ClinGen LCAeoRD ACMG Specifications CEP290 V1.0.0. Collection method: curation. Allele origin: germline. Inheritance: Autosomal recessive inheritance.
Comment: NM_025114.4(CEP290):c.21G>T (p.Trp7Cys) is a missense variant that replaces tryptophan with cysteine at amino acid 7. This variant is present in gnomAD v4.1.1 at a total allele frequency of 0.0000006208, with 1 allele / 1,610,852 total alleles, which is lower than the ClinGen LCA/eoRD VCEP PM2_Supporting threshold of <0.0006 (PM2_Supporting). This variant has been reported in at least 2 probands with early-onset severe retinal dystrophy who were homozygous for the variant (PMID: 20683928, PMID: 16682970, PMID: 35764379, PMID: 17705300). The variant has also been reported in at least 2 probands who were compound heterozygous with either the NM_025114.4(CEP290):c.5324dup (p.Asn1775LysfsTer7) variant confirmed in trans (1 pt, PMID: 27422788) or the NM_025114.4(CEP290):c.4966_4967del (p.Glu1656AsnfsTer3) variant suspected in trans (0.5 pts, PMID: 21153841), which were previously classified pathogenic by the ClinGen LCA/eoRD VCEP (2.5 total points, PM3_Strong). One proband exhibits a phenotype including diagnosis of Leber congenital amaurosis (0.5 pts), congenital or infantile onset (0.5 pts), inability to fix or follow (0.5 pts), high hypermetropia, oculodigital sign (0.5 pts), and white mottling of the peripheral pigmentation (0.5 pts), with genotyping by targeted next-generation sequencing using a panel of 195 known retinal disease genes with no alternative causes identified (2 pts), which together are specific for CEP290-related ciliopathy (4 total points, PMID: 27422788, PP4). The computational predictor CADD gives a PHRED score of 25.4, which is above the ClinGen LCA/eoRD VCEP threshold of ≥25.3 and predicts a damaging effect on CEP290 protein function (PP3). The splicing impact predictor SpliceAI gives a score of 0.01 for donor loss, acceptor gain, and donor gain, which is below the ClinGen LCA/eoRD VCEP recommended threshold of ≥0.2 and does not strongly predict an impact on splicing. In summary, this variant meets the criteria to be classified as Likely Pathogenic for CEP290-related ciliopathy based on the ACMG/AMP criteria applied, as specified by the ClinGen LCA/eoRD VCEP: PM2_Supporting, PM3_Strong, PP4, and PP3. (LCA/eoRD VCEP Specifications for CEP290 Version 1.0.0)

Labcorp Genetics (formerly Invitae), Labcorp
Classification: Pathogenic for Joubert syndrome; Meckel-Gruber syndrome; Nephronophthisis. Last evaluated: 2024-01-17. Review status: criteria provided, single submitter. Criteria: Invitae Variant Classification Sherloc (09022015). Collection method: clinical testing. Allele origin: germline. Not counted in ClinVar's aggregate classification.
Comment: This sequence change replaces tryptophan, which is neutral and slightly polar, with cysteine, which is neutral and slightly polar, at codon 7 of the CEP290 protein (p.Trp7Cys). This variant is not present in population databases (gnomAD no frequency). This missense change has been observed in individual(s) with CEP290-related conditions (PMID: 16682970, 27422788, 28844315, 32581362). In at least one individual the data is consistent with being in trans (on the opposite chromosome) from a pathogenic variant. ClinVar contains an entry for this variant (Variation ID: 1335). Advanced modeling of protein sequence and biophysical properties (such as structural, functional, and spatial information, amino acid conservation, physicochemical variation, residue mobility, and thermodynamic stability) performed at Invitae indicates that this missense variant is expected to disrupt CEP290 protein function with a positive predictive value of 80%. For these reasons, this variant has been classified as Pathogenic.

UW Hindbrain Malformation Research Program, University of Washington
Classification: Pathogenic for Joubert syndrome 5. Last evaluated: 2015-02-23. Review status: criteria provided, single submitter. Criteria: Bachmann-Gagescu et al. (J Med Genet. 2015). Collection method: research. Allele origin: unknown. Affected: yes. Not counted in ClinVar's aggregate classification.

NIHR Bioresource Rare Diseases, University of Cambridge
Classification: Likely pathogenic for Leber congenital amaurosis. Last evaluated: 2015-01-01. Review status: no assertion criteria provided. Collection method: research. Allele origin: unknown. Affected: yes. Observed: 1 variant allele. Not counted in ClinVar's aggregate classification.

Sydney Genome Diagnostics, Children's Hospital Westmead
Classification: Likely pathogenic for Nephronophthisis. Last evaluated: 2014-04-18. Review status: no assertion criteria provided. Collection method: clinical testing. Allele origin: unknown. Affected: yes. Observed: 1 variant allele, 1 compound heterozygote. Not counted in ClinVar's aggregate classification.
Comment: c.21G>T (p.Trp7Cys) has been previously reported, in a homozygous form, in a patient with Joubert syndrome (Valente et.al, 2006, Nat Genet, 38(6): 623-625). In silico analysis (Alamut Visual v2.4) using PolyPhen2, SIFT and Mutation Taster all suggest that this variant is likely to be pathogenic.

OMIM
Classification: Pathogenic for JOUBERT SYNDROME 5. Last evaluated: 2006-06-01. Review status: no assertion criteria provided. Collection method: literature only. Allele origin: germline. Not counted in ClinVar's aggregate classification.

Retina International
No classification provided. Review status: no classification provided. Collection method: not provided. Allele origin: not provided. Not counted in ClinVar's aggregate classification.

Literature cited by the submitters: PubMed 16682970 (cited by 3 submitters); PubMed 27422788 (cited by Labcorp Genetics (formerly Invitae), Labcorp); PubMed 28844315 (cited by Labcorp Genetics (formerly Invitae), Labcorp); PubMed 32581362 (cited by Labcorp Genetics (formerly Invitae), Labcorp); PubMed 28041643 (cited by NIHR Bioresource Rare Diseases, University of Cambridge).

NM_025114.4(CEP290):c.21G>T (p.Trp7Cys)

Gene: CEP290 (centrosomal protein 290; minus strand). Cytogenetic location: 12q21.32.
Variant type: single nucleotide variant.
Coding change: c.21G>T on transcript NM_025114.4 (MANE Select); coding-DNA position 21, G replaced by T.
Protein change: p.Trp7Cys; replaces tryptophan 7 with cysteine.
Molecular consequence: missense variant.
Genome position (GRCh38, 1-based): chr12:88,141,287, C>A on the plus strand (G>T on the coding strand, the complement: CEP290 is on the minus strand). VCF-style: chr12-88141287-C-A. GRCh37 (hg19) VCF-style: chr12-88535064-C-A.
Other names: NM_025114.4(CEP290):c.21G>T; short protein forms W7C.
Identifiers: ClinVar variation 1335 (VCV000001335.11), dbSNP rs62635288, ClinGen allele CA227962.
Genomic context (GRCh38, chr12:88,141,287, plus strand): 5'-ATTATCTGCCAGTTCTTCTTGACGGGGCAGGTCATCTGGGTCAACTTTCATTATTTCTTT[C>A]CAGTTTATATTAGGTGGCATCTTGAATTCTTTCACTGTGCTCCACCTCTGTAACAAAACA-3'
Protein context (NP_079390.3, residues 1-17): MPPNIN[Trp7Cys]KEIMKVDPDD